The following is an entry in ClinVar:

NM_203447.4(DOCK8):c.952G>C (p.Ala318Pro)

Gene: DOCK8 (dedicator of cytokinesis 8; plus strand). Cytogenetic location: 9p24.3.
Variant type: single nucleotide variant.
Coding change: c.952G>C on transcript NM_203447.4 (MANE Select); coding-DNA position 952, G replaced by C.
Protein change: p.Ala318Pro; replaces alanine 318 with proline.
Molecular consequence: missense variant.
Genome position (GRCh38, 1-based): chr9:328,079, G>C. VCF-style: chr9-328079-G-C. GRCh37 (hg19) VCF-style: chr9-328079-G-C.
Other names: c.748G>C, p.Ala250Pro (NM_001190458.2, NM_001193536.2); short protein forms A318P, A250P.
Identifiers: ClinVar variation 2082685 (VCV002082685.4), dbSNP rs35482838, ClinGen allele CA372751335.
Genomic context (GRCh38, chr9:328,079, plus strand): 5'-CAGATCTCAGAAAATTTTCACTGTGACCTGAACTCTGACCAGTTCAAAGGATTTCTGCGA[G>C]CTCACACGCCTTCAGTGGCCGCATCAAGTCAGGCGAGATCTGCAGTCTTCTCAGTCACCT-3'
Protein context (NP_982272.2, residues 308-328): NSDQFKGFLR[Ala318Pro]HTPSVAASSQ

ClinVar aggregate classification (germline): Uncertain significance (1 of 4 stars; one submission).

Conditions:
Combined immunodeficiency due to DOCK8 deficiency (HIES2). Also called: Hyper-IgE recurrent infection syndrome, autosomal recessive; HIES autosomal recessive; HYPER-IgE RECURRENT INFECTION SYNDROME 2, AUTOSOMAL RECESSIVE; DOCK8 Deficiency; HYPER-IgE SYNDROME 2, AUTOSOMAL RECESSIVE, WITH RECURRENT INFECTIONS. Identifiers: Orphanet 217390, MedGen C4722305, MONDO:0009478, OMIM 243700.

Submission:

Labcorp Genetics (formerly Invitae), Labcorp
Classification: Uncertain significance for Combined immunodeficiency due to DOCK8 deficiency. Last evaluated: 2022-01-14. Review status: criteria provided, single submitter. Criteria: Invitae Variant Classification Sherloc (09022015). Collection method: clinical testing. Allele origin: germline.
Comment: In summary, the available evidence is currently insufficient to determine the role of this variant in disease. Therefore, it has been classified as a Variant of Uncertain Significance. Algorithms developed to predict the effect of missense changes on protein structure and function (SIFT, PolyPhen-2, Align-GVGD) all suggest that this variant is likely to be tolerated. This sequence change replaces alanine, which is neutral and non-polar, with proline, which is neutral and non-polar, at codon 318 of the DOCK8 protein (p.Ala318Pro). This variant is not present in population databases (gnomAD no frequency). This variant has not been reported in the literature in individuals affected with DOCK8-related conditions.